The following is an entry in ClinVar:

ClinVar aggregate classification (germline): Uncertain significance (1 of 4 stars; one submission).

Submission:

Labcorp Genetics (formerly Invitae), Labcorp
Classification: Uncertain significance. Last evaluated: 2025-06-03. Review status: criteria provided, single submitter. Criteria: Invitae Variant Classification Sherloc (09022015). Collection method: clinical testing. Allele origin: germline.
Comment: This sequence change replaces glycine, which is neutral and non-polar, with serine, which is neutral and polar, at codon 420 of the POLE protein (p.Gly420Ser). This variant is not present in population databases (gnomAD no frequency). This variant has not been reported in the literature in individuals affected with POLE-related conditions. Invitae Evidence Modeling of protein sequence and biophysical properties (such as structural, functional, and spatial information, amino acid conservation, physicochemical variation, residue mobility, and thermodynamic stability) indicates that this missense variant is expected to disrupt POLE protein function with a positive predictive value of 80%. In summary, the available evidence is currently insufficient to determine the role of this variant in disease. Therefore, it has been classified as a Variant of Uncertain Significance.

NM_006231.4(POLE):c.1258G>A (p.Gly420Ser)

Gene: POLE (DNA polymerase epsilon, catalytic subunit; minus strand). Cytogenetic location: 12q24.33.
Variant type: single nucleotide variant.
Coding change: c.1258G>A on transcript NM_006231.4 (MANE Select); coding-DNA position 1258, G replaced by A.
Protein change: p.Gly420Ser; replaces glycine 420 with serine.
Molecular consequence: missense variant.
Genome position (GRCh38, 1-based): chr12:132,673,676, C>T on the plus strand (G>A on the coding strand, the complement: POLE is on the minus strand). VCF-style: chr12-132673676-C-T. GRCh37 (hg19) VCF-style: chr12-133250262-C-T.
Other names: short protein forms G420S.
Identifiers: ClinVar variation 4743180 (VCV004743180.1).